The following is an entry in ClinVar:

NM_001042492.3(NF1):c.5427dup (p.Leu1810fs)

Gene: NF1 (neurofibromin 1; plus strand). Cytogenetic location: 17q11.2.
Variant type: Duplication.
Coding change: c.5427dup on transcript NM_001042492.3 (MANE Select); coding-DNA position 5427, one base duplicated (G; older notation c.5427dupG).
Protein change: p.Leu1810fs; shifts the reading frame from leucine 1810.
Molecular consequence: frameshift variant.
Genome position (GRCh38, 1-based): chr17:31,327,657, G duplicated. VCF-style (leftmost placement, unchanged base first): chr17-31327656-C-CG. GRCh37 (hg19) VCF-style: chr17-29654674-C-CG.
Other names: c.5364dup, p.Leu1789Alafs (NM_000267.4); c.5364dupG (NM_000267.3); short protein forms L1810fs, L1789fs.
Identifiers: ClinVar variation 570687 (VCV000570687.5), dbSNP rs1567612483, ClinGen allele CA891844396.

ClinVar aggregate classification (germline): Pathogenic (1 of 4 stars; one submission).

Conditions:
Neurofibromatosis, type 1 (NF1). Also called: Peripheral type neurofibromatosis; VON RECKLINGHAUSEN DISEASE; Neurofibromatosis, type I; NEUROFIBROMATOSIS, TYPE I, SOMATIC. Identifiers: Orphanet 636, MedGen C0027831, MONDO:0018975, OMIM 162200. Disease mechanism: loss of function.

Submission:

Labcorp Genetics (formerly Invitae), Labcorp
Classification: Pathogenic for Neurofibromatosis, type 1. Last evaluated: 2018-02-07. Review status: criteria provided, single submitter. Criteria: Invitae Variant Classification Sherloc (09022015). Collection method: clinical testing. Allele origin: germline.
Comment: This variant has not been reported in the literature in individuals with NF1-related disease. For these reasons, this variant has been classified as Pathogenic. Loss-of-function variants in NF1 are known to be pathogenic (PMID: 10712197, 23913538). This variant is not present in population databases (ExAC no frequency). This sequence change creates a premature translational stop signal (p.Leu1789Alafs*9) in the NF1 gene. It is expected to result in an absent or disrupted protein product.

Literature cited by the submitters: PubMed 10712197; PubMed 23913538.